The following is an entry in ClinVar:

ClinVar aggregate classification (germline): Uncertain significance (1 of 4 stars; one submission).

Allele frequency attached by ClinVar (database versions not stated): gnomAD 0.00001; gnomAD exomes 0.00001; TOPMed 0.00001.
gnomAD v4.1: 4 of 1,614,014 alleles (0.00025%); highest among the groups gnomAD compares: South Asian, 0.0033%; no homozygotes.

Submission:

GeneDx
Classification: Uncertain significance. Last evaluated: 2022-11-30. Review status: criteria provided, single submitter. Criteria: GeneDx Variant Classification Process June 2021. Collection method: clinical testing. Allele origin: germline. Affected: yes.
Comment: Not observed at significant frequency in large population cohorts (gnomAD); In silico analysis supports that this missense variant does not alter protein structure/function; Has not been previously published as pathogenic or benign to our knowledge

NM_020791.4(TAOK1):c.2782G>A (p.Gly928Ser)

Gene: TAOK1 (TAO kinase 1; plus strand). Cytogenetic location: 17q11.2.
Variant type: single nucleotide variant.
Coding change: c.2782G>A on transcript NM_020791.4 (MANE Select); coding-DNA position 2782, G replaced by A.
Protein change: p.Gly928Ser; replaces glycine 928 with serine.
Molecular consequence: missense variant.
Genome position (GRCh38, 1-based): chr17:29,542,798, G>A. VCF-style: chr17-29542798-G-A. GRCh37 (hg19) VCF-style: chr17-27869816-G-A.
Other names: c.2338G>A, p.Gly780Ser (NM_025142.1); short protein forms G780S, G928S.
Identifiers: ClinVar variation 2504447 (VCV002504447.1), dbSNP rs2032341576, ClinGen allele CA398920318.